The following is an entry in ClinVar:

NM_006852.6(TLK2):c.832T>C (p.Ser278Pro)

Gene: TLK2 (tousled like kinase 2; plus strand). Cytogenetic location: 17q23.2.
Variant type: single nucleotide variant.
Coding change: c.832T>C on transcript NM_006852.6 (MANE Select); coding-DNA position 832, T replaced by C.
Protein change: p.Ser278Pro; replaces serine 278 with proline.
Molecular consequence: missense variant.
Genome position (GRCh38, 1-based): chr17:62,565,001, T>C. VCF-style: chr17-62565001-T-C. GRCh37 (hg19) VCF-style: chr17-60642362-T-C.
Other names: c.832T>C, p.Ser278Pro (NM_001284333.3, NM_001375270.1, NM_001375271.1); c.736T>C, p.Ser246Pro (NM_001284363.1, NM_001375272.1); c.385T>C, p.Ser129Pro (NM_001330418.3, NM_001375273.1); c.874T>C, p.Ser292Pro (NM_001375269.1); short protein forms S278P, S129P, S246P, S292P.
Identifiers: ClinVar variation 391579 (VCV000391579.2), dbSNP rs1057524147, ClinGen allele CA16607763.
Genomic context (GRCh38, chr17:62,565,001, plus strand): 5'-GAAGTGTCTTTATCCATGCTAATTGGTATTGAATTCCTTTTTTTGTCTGTTTCCCCTAAG[T>C]CAAAACAAGAGAAGATGGCGTGTAGAGATAAGAGCATGCAAGACCGCTTGAGACTGGGCC-3'
Protein context (NP_006843.2, residues 268-288): TMSKKLLIEK[Ser278Pro]KQEKMACRDK

ClinVar aggregate classification (germline): Likely pathogenic (1 of 4 stars; one submission).

Submission:

GeneDx
Classification: Likely pathogenic. Last evaluated: 2018-08-09. Review status: criteria provided, single submitter. Criteria: GeneDx Variant Classification (06012015). Collection method: clinical testing. Allele origin: germline. Affected: yes.
Comment: The S278P variant in the TLK2 gene has not been reported previously as a pathogenic variant, nor as a benign variant, to our knowledge. The S278P variant is not observed in large population cohorts (Lek et al., 2016). The S278P variant is a non-conservative amino acid substitution, which is likely to impact secondary protein structure as these residues differ in polarity, charge, size and/or other properties. In-silico analyses, including protein predictors and evolutionary conservation, support a deleterious effect. We interpret S278P as a likely pathogenic variant.